The following is an entry in ClinVar:

NM_006005.3(WFS1):c.966C>G (p.His322Gln)

Gene: WFS1 (wolframin ER transmembrane glycoprotein; plus strand). Cytogenetic location: 4p16.1.
Variant type: single nucleotide variant.
Coding change: c.966C>G on transcript NM_006005.3 (MANE Select); coding-DNA position 966, C replaced by G.
Protein change: p.His322Gln; replaces histidine 322 with glutamine.
Molecular consequence: missense variant.
Genome position (GRCh38, 1-based): chr4:6,300,761, C>G. VCF-style: chr4-6300761-C-G. GRCh37 (hg19) VCF-style: chr4-6302488-C-G.
Other names: c.966C>G, p.His322Gln (NM_001145853.1); short protein forms H322Q.
Identifiers: ClinVar variation 2043042 (VCV002043042.5), dbSNP rs140196582, ClinGen allele CA2839173.

ClinVar aggregate classification (germline): Uncertain significance. Review status: criteria provided, multiple submitters, no conflicts (2 of 4 stars). 2 submissions from 2 submitters: Uncertain significance (2). Last evaluated 2026-08-23.

Conditions:
Inborn genetic diseases. Identifiers: MedGen C0950123, MeSH D030342.

Allele frequency attached by ClinVar (database versions not stated): 1000 Genomes Project 30x 0.00016.
gnomAD v4.1: 1 of 1,613,784 alleles (0.000062%); highest among the groups gnomAD compares: African/African-American, 0.0013%; no homozygotes.

Submissions (2):

Ambry Genetics
Classification: Uncertain significance for Inborn genetic diseases. Last evaluated: 2026-08-23. Review status: criteria provided, single submitter. Criteria: Ambry Variant Classification Scheme 2023. Collection method: clinical testing. Allele origin: germline.

Labcorp Genetics (formerly Invitae), Labcorp
Classification: Uncertain significance. Last evaluated: 2021-12-23. Review status: criteria provided, single submitter. Criteria: Invitae Variant Classification Sherloc (09022015). Collection method: clinical testing. Allele origin: germline.
Comment: This sequence change replaces histidine, which is basic and polar, with glutamine, which is neutral and polar, at codon 322 of the WFS1 protein (p.His322Gln). This variant is present in population databases (rs140196582, gnomAD 0.007%). This variant has not been reported in the literature in individuals affected with WFS1-related conditions. Advanced modeling of protein sequence and biophysical properties (such as structural, functional, and spatial information, amino acid conservation, physicochemical variation, residue mobility, and thermodynamic stability) performed at Invitae indicates that this missense variant is not expected to disrupt WFS1 protein function. Algorithms developed to predict the effect of sequence changes on RNA splicing suggest that this variant may create or strengthen a splice site. In summary, the available evidence is currently insufficient to determine the role of this variant in disease. Therefore, it has been classified as a Variant of Uncertain Significance.